The following is an entry in ClinVar:

ClinVar aggregate classification (germline): Uncertain significance (1 of 4 stars; one submission).

Conditions:
DICER1-related tumor predisposition. Also called: DICER1 syndrome; DICER1-related pleuropulmonary blastoma cancer predisposition syndrome. Identifiers: Orphanet 284343, MedGen C3839822, MONDO:0100216.

gnomAD v4.1: 2 of 1,614,104 alleles (0.00012%); highest among the groups gnomAD compares: South Asian, 0.0011%; no homozygotes.

Submission:

Labcorp Genetics (formerly Invitae), Labcorp
Classification: Uncertain significance for DICER1-related tumor predisposition. Last evaluated: 2021-02-01. Review status: criteria provided, single submitter. Criteria: Invitae Variant Classification Sherloc (09022015). Collection method: clinical testing. Allele origin: germline.
Comment: This variant is not present in population databases (ExAC no frequency). This variant has not been reported in the literature in individuals with DICER1-related conditions. Algorithms developed to predict the effect of missense changes on protein structure and function output the following: SIFT: "Tolerated"; PolyPhen-2: "Benign"; Align-GVGD: "Class C0". The proline amino acid residue is found in multiple mammalian species, suggesting that this missense change does not adversely affect protein function. These predictions have not been confirmed by published functional studies and their clinical significance is uncertain. This sequence change replaces leucine with proline at codon 1271 of the DICER1 protein (p.Leu1271Pro). The leucine residue is weakly conserved and there is a moderate physicochemical difference between leucine and proline. In summary, the available evidence is currently insufficient to determine the role of this variant in disease. Therefore, it has been classified as a Variant of Uncertain Significance.

NM_177438.3(DICER1):c.3812T>C (p.Leu1271Pro)

Gene: DICER1 (dicer 1, ribonuclease III; minus strand). Cytogenetic location: 14q32.13.
Variant type: single nucleotide variant.
Coding change: c.3812T>C on transcript NM_177438.3 (MANE Select); coding-DNA position 3812, T replaced by C.
Protein change: p.Leu1271Pro; replaces leucine 1271 with proline.
Molecular consequence: missense variant.
Genome position (GRCh38, 1-based): chr14:95,103,584, A>G on the plus strand (T>C on the coding strand, the complement: DICER1 is on the minus strand). VCF-style: chr14-95103584-A-G. GRCh37 (hg19) VCF-style: chr14-95569921-A-G.
Other names: c.3812T>C, p.Leu1271Pro (NM_001195573.1, NM_001271282.3, NM_001291628.2 and 1 more transcripts); short protein forms L1271P.
Identifiers: ClinVar variation 1376306 (VCV001376306.8), dbSNP rs1178292163, ClinGen allele CA390873394.